The following is an entry in ClinVar:

ClinVar aggregate classification (germline): Pathogenic. Review status: criteria provided, multiple submitters, no conflicts (2 of 4 stars). 2 submissions from 2 submitters: Pathogenic (2). Last evaluated 2025-04-03.

Conditions:
Knobloch syndrome 1 (KNO1). Identifiers: MedGen C4551775, MONDO:0800167, OMIM 267750.

Submissions (2):

3billion
Classification: Pathogenic for Knobloch syndrome 1. Last evaluated: 2025-04-03. Review status: criteria provided, single submitter. Criteria: ACMG Guidelines, 2015. Collection method: clinical testing. Allele origin: germline. Affected: yes.
Comment: The variant is not observed in the gnomAD v4.1.0 dataset. Predicted Consequence/Location: Frameshift: predicted to result in a loss or disruption of normal protein function through nonsense-mediated decay (NMD) or protein truncation. Multiple pathogenic variants are reported downstream of the variant. The variant has been reported to be associated with COL18A1-related disorder (ClinVar ID: VCV000280186 / PMID: 29178892). Therefore, this variant is classified as Pathogenic according to the recommendation of ACMG/AMP guideline.

GeneDx
Classification: Pathogenic. Last evaluated: 2015-12-22. Review status: criteria provided, single submitter. Criteria: GeneDx Variant Classification (06012015). Collection method: clinical testing. Allele origin: germline. Affected: yes.
Comment: The c.2970_2971delAGinsC pathogenic variant in the COL18A1 gene ha not been reported previously as a pathogenic variant nor as a benign variant, to our knowledge. The c.2970_2971delAGinsC variant causes a frameshift starting with codon Proline 993, changes this amino acid to a Leucine residue, and creates a premature Stop codon at position 35 of the new reading frame, denoted p.Pro993LeufsX35. This variant is predicted to cause loss of normal protein function either through protein truncation or nonsense-mediated mRNA decay. The c.2970_2971delAGinsC variant was not observed in approximately 5700 individuals of European and African American ancestry in the NHLBI Exome Sequencing Project, indicating it is not a common benign variant in these populations. Therefore, we interpret c.2970_2971delAGinsC as a pathogenic variant.

Literature cited by the submitters: PubMed 29178892 (cited by 3billion).

NM_001379500.1(COL18A1):c.2979_2980delinsC (p.Pro996fs)

Genes: SLC19A1 (solute carrier family 19 member 1; minus strand), COL18A1 (collagen type XVIII alpha 1 chain; plus strand). Cytogenetic location: 21q22.3.
Variant type: Indel.
Coding change: c.2979_2980delinsC on transcript NM_001379500.1 (MANE Select); coding-DNA positions 2979 to 2980, AG replaced by C.
Protein change: p.Pro996fs; shifts the reading frame from proline 996.
Molecular consequence: frameshift variant.
Genome position (GRCh38, 1-based): chr21:45,505,244-45,505,245, AG replaced by C. VCF-style: chr21-45505244-AG-C. GRCh37 (hg19) VCF-style: chr21-46925158-AG-C.
Other names: NM_130445.2:c.2970_2971delAGinsC; c.3510_3511delinsC, p.Pro1173fs (NM_030582.4); c.4215_4216delinsC, p.Pro1408fs (NM_130444.3); short protein forms P1173fs, P1408fs, P996fs.
Identifiers: ClinVar variation 280186 (VCV000280186.3), dbSNP rs886041437, ClinGen allele CA10603556.
Genomic context (GRCh38, chr21:45,505,244, plus strand): 5'-GGGACCCCCCGGCATCGGCTACGAGGGGCGCCAGGGCCCTCCCGGCCCCCCAGGCCCCCC[AG>C]GGCCCCCTTCATTTCCTGGCCCTCACAGGCAGAGTAAGTCAGTGGGGAGTGGGCCCCGGG-3'